The following is an entry in ClinVar:

NM_001369.3(DNAH5):c.9053delinsCAG (p.Ile3018fs)

Gene: DNAH5 (dynein axonemal heavy chain 5; minus strand). Cytogenetic location: 5p15.2.
Variant type: Indel.
Coding change: c.9053delinsCAG on transcript NM_001369.3 (MANE Select); coding-DNA position 9053, T replaced by CAG.
Protein change: p.Ile3018fs; shifts the reading frame from isoleucine 3018.
Molecular consequence: frameshift variant.
Genome position (GRCh38, 1-based): chr5:13,777,254, A replaced by CTG on the plus strand (T replaced by CAG on the coding strand, the reverse complement: DNAH5 is on the minus strand). VCF-style: chr5-13777254-A-CTG. GRCh37 (hg19) VCF-style: chr5-13777363-A-CTG.
Other names: short protein forms I3018fs.
Identifiers: ClinVar variation 5010737 (VCV005010737.1).

ClinVar aggregate classification (germline): Pathogenic (1 of 4 stars; one submission).

Conditions:
Primary ciliary dyskinesia 3. Identifiers: Orphanet 244, MedGen C1837618, MONDO:0012085, OMIM 608644.

Submission:

Myriad Genetics, Inc.
Classification: Pathogenic for Primary ciliary dyskinesia 3. Last evaluated: 2024-05-14. Review status: criteria provided, single submitter. Criteria: Myriad Autosomal Dominant, Autosomal Recessive and X-Linked Classification Criteria (2023). Collection method: clinical testing. Allele origin: unknown.
Comment: NM_001369.2(DNAH5):c.9053delTinsCAG(I3018Tfs*11) is expected to be pathogenic in the context of primary ciliary dyskinesia, DNAH5-related. This variant is predicted to lead to an abnormal or absent protein product due to the creation of a premature termination codon in DNAH5, a gene where loss-of-function variants are known to be pathogenic. Please note: this variant was assessed in the context of healthy population screening.